The following is an entry in ClinVar:

NM_001199107.2(TBC1D24):c.*2395A>G

Gene: TBC1D24 (TBC1 domain family member 24; plus strand). Cytogenetic location: 16p13.3.
Variant type: single nucleotide variant.
Coding change: c.*2395A>G on transcript NM_001199107.2 (MANE Select); 2395 bases downstream of the stop codon, A replaced by G.
Molecular consequence: 3 prime UTR variant.
Genome position (GRCh38, 1-based): chr16:2,503,353, A>G. VCF-style: chr16-2503353-A-G. GRCh37 (hg19) VCF-style: chr16-2553354-A-G.
Other names: c.*2395A>G (NM_020705.3).
Identifiers: ClinVar variation 318660 (VCV000318660.6), dbSNP rs11543247, ClinGen allele CA10643312.

ClinVar aggregate classification (germline): Benign. Review status: criteria provided, multiple submitters, no conflicts (2 of 4 stars). 2 submissions from 2 submitters: Benign (2). Last evaluated 2018-01-12.

Conditions:
Familial infantile myoclonic epilepsy (FIME). Also called: TBC1D24-Related Familial Infantile Myoclonic Epilepsy (FIME); Epilepsy, Myoclonic, Infantile. Identifiers: Orphanet 352582, MedGen C0917800, MONDO:0011506, OMIM 605021.

Allele frequency attached by ClinVar (database versions not stated): 1000 Genomes Project 30x 0.01187; TOPMed 0.01865; gnomAD 0.01806 and 0.01804; 1000 Genomes Project 0.01158.

Submissions (2):

Illumina Laboratory Services, Illumina
Classification: Benign for Familial infantile myoclonic epilepsy. Last evaluated: 2018-01-12. Review status: criteria provided, single submitter. Criteria: ICSL Variant Classification Criteria 13 December 2019. Collection method: clinical testing. Allele origin: germline.
Comment: This variant was observed in the ICSL laboratory as part of a predisposition screen in an ostensibly healthy population. It had not been previously curated by ICSL or reported in the Human Gene Mutation Database (HGMD: prior to June 1st, 2018), and was therefore a candidate for classification through an automated scoring system. Utilizing variant allele frequency, disease prevalence and penetrance estimates, and inheritance mode, an automated score was calculated to assess if this variant is too frequent to cause the disease. Based on the score and internal cut-off values, a variant classified as benign is not then subjected to further curation. The score for this variant resulted in a classification of benign for this disease.

Breakthrough Genomics
Classification: Benign. Review status: criteria provided, single submitter. Criteria: ACMG Guidelines, 2015. Collection method: not provided. Allele origin: germline. Inheritance: Autosomal recessive inheritance. Affected: yes.